The following is an entry in ClinVar:

ClinVar aggregate classification (germline): Uncertain significance (1 of 4 stars; one submission).

Conditions:
Inborn genetic diseases. Identifiers: MedGen C0950123, MeSH D030342.

gnomAD v4.1: 1 of 1,614,082 alleles (0.000062%); highest among the groups gnomAD compares: East Asian, 0.0022%; no homozygotes.

Submission:

Ambry Genetics
Classification: Uncertain significance for Inborn genetic diseases. Last evaluated: 2025-05-02. Review status: criteria provided, single submitter. Criteria: Ambry Variant Classification Scheme 2023. Collection method: clinical testing. Allele origin: germline.
Comment: The p.G1092C variant (also known as c.3274G>T), located in coding exon 33 of the FANCA gene, results from a G to T substitution at nucleotide position 3274. The glycine at codon 1092 is replaced by cysteine, an amino acid with highly dissimilar properties. This amino acid position is conserved. In addition, this alteration is predicted to be tolerated by in silico analysis. Based on the available evidence, the clinical significance of this variant remains unclear.

NM_000135.4(FANCA):c.3274G>T (p.Gly1092Cys)

Gene: FANCA (FA complementation group A; minus strand). Cytogenetic location: 16q24.3.
Variant type: single nucleotide variant.
Coding change: c.3274G>T on transcript NM_000135.4 (MANE Select); coding-DNA position 3274, G replaced by T.
Protein change: p.Gly1092Cys; replaces glycine 1092 with cysteine.
Molecular consequence: missense variant.
Genome position (GRCh38, 1-based): chr16:89,748,733, C>A on the plus strand (G>T on the coding strand, the complement: FANCA is on the minus strand). VCF-style: chr16-89748733-C-A. GRCh37 (hg19) VCF-style: chr16-89815141-C-A.
Other names: c.3274G>T, p.Gly1092Cys (NM_001286167.3); short protein forms G1092C.
Identifiers: ClinVar variation 4022236 (VCV004022236.1).
Genomic context (GRCh38, chr16:89,748,733, plus strand): 5'-CCAAGTGGAAGAACTGCTCGCATCTGGCAGTGATGGGCTGTTCTGCCTGGAAGCTGCTGC[C>A]GCAGAGGACAGACGAAGGCAGGCGGAGGAGGATCCTGGAAAGAAGGGGCTGTATTGGTGG-3'
Protein context (NP_000126.2, residues 1082-1102): LLRLPSSVLC[Gly1092Cys]SSFQAEQPIT